The following is an entry in ClinVar:

ClinVar aggregate classification (germline): Benign. Review status: criteria provided, multiple submitters, no conflicts (2 of 4 stars). 2 submissions from 2 submitters: Benign (2). Last evaluated 2018-01-13.

Conditions:
Neurodegeneration with brain iron accumulation 4 (NBIA4). Also called: MITOCHONDRIAL PROTEIN-ASSOCIATED NEURODEGENERATION. Identifiers: Orphanet 289560, MedGen C3280371, MONDO:0013674, OMIM 614298. Disease mechanism: loss of function.

Allele frequency attached by ClinVar (database versions not stated): 1000 Genomes Project 0.61861; 1000 Genomes Project 30x 0.62477; gnomAD exomes 0.64222 and 0.69096; ExAC 0.67666; TOPMed 0.71691; gnomAD 0.72135 and 0.73115.
gnomAD v4.1: 318,082 of 453,374 alleles (70%); highest among the groups gnomAD compares: African/African-American, 80%; 114,636 homozygotes.

Submissions (2):

Illumina Laboratory Services, Illumina
Classification: Benign for Neurodegeneration with brain iron accumulation 4. Last evaluated: 2018-01-13. Review status: criteria provided, single submitter. Criteria: ICSL Variant Classification Criteria 13 December 2019. Collection method: clinical testing. Allele origin: germline.
Comment: This variant was observed in the ICSL laboratory as part of a predisposition screen in an ostensibly healthy population. It had not been previously curated by ICSL or reported in the Human Gene Mutation Database (HGMD: prior to June 1st, 2018), and was therefore a candidate for classification through an automated scoring system. Utilizing variant allele frequency, disease prevalence and penetrance estimates, and inheritance mode, an automated score was calculated to assess if this variant is too frequent to cause the disease. Based on the score and internal cut-off values, a variant classified as benign is not then subjected to further curation. The score for this variant resulted in a classification of benign for this disease.

Breakthrough Genomics
Classification: Benign. Review status: criteria provided, single submitter. Criteria: ACMG Guidelines, 2015. Collection method: not provided. Allele origin: germline. Inheritance: Autosomal recessive inheritance. Affected: yes.

NM_031448.6(C19orf12):c.*881G>A

Gene: C19orf12 (chromosome 19 open reading frame 12; minus strand). Cytogenetic location: 19q12.
Variant type: single nucleotide variant.
Coding change: c.*881G>A on transcript NM_031448.6 (MANE Select); 881 bases downstream of the stop codon, G replaced by A.
Molecular consequence: 3 prime UTR variant.
Genome position (GRCh38, 1-based): chr19:29,701,831, C>T on the plus strand (G>A on the coding strand, the complement: C19orf12 is on the minus strand). VCF-style: chr19-29701831-C-T. GRCh37 (hg19) VCF-style: chr19-30192738-C-T.
Other names: c.*881G>A (NM_001031726.4, NM_001256047.2, NM_001282929.1 and 2 more transcripts); c.*928G>A (NM_001256046.3).
Identifiers: ClinVar variation 328714 (VCV000328714.6), dbSNP rs3926, ClinGen allele CA9351780.